The following is an entry in ClinVar:

ClinVar aggregate classification (germline): Uncertain significance (1 of 4 stars; one submission).

Conditions:
Hereditary cancer-predisposing syndrome. Also called: Neoplastic Syndromes, Hereditary; Tumor predisposition; Hereditary Cancer Syndrome; Hereditary neoplastic syndrome. Identifiers: Orphanet 140162, MedGen C0027672, MeSH D009386, MONDO:0015356.

Submission:

Ambry Genetics
Classification: Uncertain significance for Hereditary cancer-predisposing syndrome. Last evaluated: 2025-07-15. Review status: criteria provided, single submitter. Criteria: Ambry Variant Classification Scheme 2023. Collection method: clinical testing. Allele origin: germline.
Comment: The p.M655I variant (also known as c.1965G>A), located in coding exon 7 of the BLM gene, results from a G to A substitution at nucleotide position 1965. The methionine at codon 655 is replaced by isoleucine, an amino acid with highly similar properties. This amino acid position is conserved. In addition, the in silico prediction for this alteration is inconclusive. Based on the available evidence, the clinical significance of this variant remains unclear.

NM_000057.4(BLM):c.1965G>A (p.Met655Ile)

Gene: BLM (BLM RecQ like helicase; plus strand). Cytogenetic location: 15q26.1.
Variant type: single nucleotide variant.
Coding change: c.1965G>A on transcript NM_000057.4 (MANE Select); coding-DNA position 1965, G replaced by A.
Protein change: p.Met655Ile; replaces methionine 655 with isoleucine.
Molecular consequence: missense variant.
Genome position (GRCh38, 1-based): chr15:90,763,048, G>A. VCF-style: chr15-90763048-G-A. GRCh37 (hg19) VCF-style: chr15-91306278-G-A.
Other names: c.1965G>A, p.Met655Ile (NM_001287246.2, NM_001287247.2); c.840G>A, p.Met280Ile (NM_001287248.2); short protein forms M280I, M655I.
Identifiers: ClinVar variation 4211763 (VCV004211763.1).